The following is an entry in ClinVar:

NM_173560.4(RFX6):c.1130G>A (p.Arg377Gln)

Gene: RFX6 (regulatory factor X6; plus strand). Cytogenetic location: 6q22.1.
Variant type: single nucleotide variant.
Coding change: c.1130G>A on transcript NM_173560.4 (MANE Select); coding-DNA position 1130, G replaced by A.
Protein change: p.Arg377Gln; replaces arginine 377 with glutamine.
Molecular consequence: missense variant.
Genome position (GRCh38, 1-based): chr6:116,919,244, G>A. VCF-style: chr6-116919244-G-A. GRCh37 (hg19) VCF-style: chr6-117240407-G-A.
Other names: short protein forms R377Q.
Identifiers: ClinVar variation 1031267 (VCV001031267.5), dbSNP rs1353404589, ClinGen allele CA365433045.

ClinVar aggregate classification (germline): Uncertain significance. Review status: criteria provided, multiple submitters, no conflicts (2 of 4 stars). 2 submissions from 2 submitters: Uncertain significance (2). Last evaluated 2022-04-03.

Conditions:
Hypoplastic pancreas-intestinal atresia-hypoplastic gallbalder syndrome. Also called: DIABETES, NEONATAL, WITH PANCREATIC HYPOPLASIA, INTESTINAL ATRESIA, AND GALLBLADDER APLASIA OR HYPOPLASIA; Mitchell-Riley syndrome. Identifiers: Orphanet 293864, MedGen C2748662, MONDO:0017400, OMIM 615710.

Allele frequency attached by ClinVar (database versions not stated): gnomAD exomes 0.00001 and below 0.00001; gnomAD 0.00001; TOPMed 0.00001.
gnomAD v4.1: 8 of 1,613,400 alleles (0.0005%); highest among the groups gnomAD compares: African/African-American, 0.0013%; no homozygotes.

Submissions (2):

Labcorp Genetics (formerly Invitae), Labcorp
Classification: Uncertain significance. Last evaluated: 2022-04-03. Review status: criteria provided, single submitter. Criteria: Invitae Variant Classification Sherloc (09022015). Collection method: clinical testing. Allele origin: germline.
Comment: In summary, the available evidence is currently insufficient to determine the role of this variant in disease. Therefore, it has been classified as a Variant of Uncertain Significance. Algorithms developed to predict the effect of missense changes on protein structure and function are either unavailable or do not agree on the potential impact of this missense change (SIFT: "Deleterious"; PolyPhen-2: "Probably Damaging"; Align-GVGD: "Class C0"). ClinVar contains an entry for this variant (Variation ID: 1031267). This variant has not been reported in the literature in individuals affected with RFX6-related conditions. This variant is present in population databases (no rsID available, gnomAD 0.006%). This sequence change replaces arginine, which is basic and polar, with glutamine, which is neutral and polar, at codon 377 of the RFX6 protein (p.Arg377Gln).

Baylor Genetics
Classification: Uncertain significance for Hypoplastic pancreas-intestinal atresia-hypoplastic gallbalder syndrome. Last evaluated: 2019-02-26. Review status: criteria provided, single submitter. Criteria: ACMG Guidelines, 2015. Collection method: clinical testing. Allele origin: paternal. Affected: yes.
Comment: This variant was determined to be of uncertain significance according to ACMG Guidelines, 2015 [PMID:25741868].